The following is an entry in ClinVar:

NM_000718.4(CACNA1B):c.831C>T (p.Cys277=)

Gene: CACNA1B (calcium voltage-gated channel subunit alpha1 B; plus strand). Cytogenetic location: 9q34.3.
Variant type: single nucleotide variant.
Coding change: c.831C>T on transcript NM_000718.4 (MANE Select); coding-DNA position 831, C replaced by T.
Protein change: p.Cys277=; no amino-acid change (cysteine 277 retained).
Molecular consequence: synonymous variant.
Genome position (GRCh38, 1-based): chr9:137,917,296, C>T. VCF-style: chr9-137917296-C-T. GRCh37 (hg19) VCF-style: chr9-140811748-C-T.
Other names: c.831C>T, p.Cys277= (NM_001243812.2).
Identifiers: ClinVar variation 778964 (VCV000778964.31), dbSNP rs778540767, ClinGen allele CA5375976.
Genomic context (GRCh38, chr9:137,917,296, plus strand): 5'-TGCAGATGCGGAGCCCGTGGGTGACTTCCCCTGTGGCAAGGAGGCCCCAGCCCGGCTGTG[C>T]GAGGGCGACACTGAGTGCCGGGAGTACTGGCCAGGACCCAACTTTGGCATCACCAACTTT-3'
Protein context (NP_000709.1, residues 267-287): PCGKEAPARL[Cys277=]EGDTECREYW

ClinVar aggregate classification (germline): Benign/Likely benign. Review status: criteria provided, multiple submitters, no conflicts (2 of 4 stars). 2 submissions from 2 submitters: Benign (1); Likely benign (1). Last evaluated 2026-01-02.

Allele frequency attached by ClinVar (database versions not stated): gnomAD 0.00006 and 0.00007; gnomAD exomes 0.00012 and 0.00054; TOPMed 0.00020; ExAC 0.00044.
gnomAD v4.1: 179 of 1,613,934 alleles (0.011%); highest among the groups gnomAD compares: Admixed American, 0.27%; no homozygotes.

Submissions (2):

Labcorp Genetics (formerly Invitae), Labcorp
Classification: Benign. Last evaluated: 2026-01-02. Review status: criteria provided, single submitter. Criteria: Invitae Variant Classification Sherloc (09022015). Collection method: clinical testing. Allele origin: germline.

CeGaT Center for Human Genetics Tuebingen
Classification: Likely benign. Last evaluated: 2022-08-01. Review status: criteria provided, single submitter. Criteria: CeGaT Center For Human Genetics Tuebingen Variant Classification Criteria Version 2. Collection method: clinical testing. Allele origin: germline. Affected: yes. Observed: 1 variant allele.
Comment: CACNA1B: BP4, BP7